The following is an entry in ClinVar:

ClinVar aggregate classification (germline): Uncertain significance (1 of 4 stars; one submission).

Submission:

GeneDx
Classification: Uncertain significance. Last evaluated: 2024-10-21. Review status: criteria provided, single submitter. Criteria: GeneDx Variant Classification Process June 2021. Collection method: clinical testing. Allele origin: germline. Affected: yes.
Comment: Not observed at significant frequency in large population cohorts (gnomAD); In silico analysis indicates that this missense variant does not alter protein structure/function; Has not been previously published as pathogenic or benign to our knowledge

NM_006946.4(SPTBN2):c.7105C>T (p.Leu2369Phe)

Gene: SPTBN2 (spectrin beta, non-erythrocytic 2; minus strand). Cytogenetic location: 11q13.2.
Variant type: single nucleotide variant.
Coding change: c.7105C>T on transcript NM_006946.4 (MANE Select); coding-DNA position 7105, C replaced by T.
Protein change: p.Leu2369Phe; replaces leucine 2369 with phenylalanine.
Molecular consequence: missense variant.
Genome position (GRCh38, 1-based): chr11:66,685,939, G>A on the plus strand (C>T on the coding strand, the complement: SPTBN2 is on the minus strand). VCF-style: chr11-66685939-G-A. GRCh37 (hg19) VCF-style: chr11-66453410-G-A.
Other names: c.7126C>T, p.Leu2376Phe (NM_001411025.1); short protein forms L2369F, L2376F.
Identifiers: ClinVar variation 3893407 (VCV003893407.1).
Genomic context (GRCh38, chr11:66,685,939, plus strand): 5'-TCTTCTTAAAGAAGCTGAAGCGTTTTTCTCGCTCTCGTTCTCTGCCGTCTTTGCTGCGGA[G>A]CACAACAGGCCCCTCAGCCCCGACGGGTGACACTGGGGGCATGGTCATGGCCCGGGTCAT-3'
Protein context (NP_008877.2, residues 2359-2379): SPVGAEGPVV[Leu2369Phe]RSKDGRERER